The following is an entry in ClinVar:

ClinVar aggregate classification (germline): Pathogenic (1 of 4 stars; one submission).

Conditions:
Arrhythmogenic cardiomyopathy with wooly hair and keratoderma. Also called: Dilated cardiomyopathy with woolly hair and keratoderma; Arrhythmogenic cardiomyopathy with woolly hair and keratoderma; Carvajal syndrome; PALMOPLANTAR KERATODERMA WITH LEFT VENTRICULAR CARDIOMYOPATHY AND WOOLLY HAIR. Identifiers: Orphanet 65282, MedGen C1854063, MONDO:0011581, OMIM 605676.
Arrhythmogenic right ventricular dysplasia 8 (ARVD8). Also called: ARRHYTHMOGENIC RIGHT VENTRICULAR DYSPLASIA, FAMILIAL, 8; ARRHYTHMOGENIC RIGHT VENTRICULAR CARDIOMYOPATHY 8; Arrhythmogenic Right Ventricular Dysplasia/Cardiomyopathy 8. Identifiers: MedGen C1843896, MONDO:0011831, OMIM 607450.

Submission:

Labcorp Genetics (formerly Invitae), Labcorp
Classification: Pathogenic for Arrhythmogenic cardiomyopathy with wooly hair and keratoderma; Arrhythmogenic right ventricular dysplasia 8. Last evaluated: 2024-02-20. Review status: criteria provided, single submitter. Criteria: Invitae Variant Classification Sherloc (09022015). Collection method: clinical testing. Allele origin: germline.
Comment: This sequence change creates a premature translational stop signal (p.Gly2414*) in the DSP gene. While this is not anticipated to result in nonsense mediated decay, it is expected to disrupt the last 458 amino acid(s) of the DSP protein. This variant is not present in population databases (gnomAD no frequency). This variant has not been reported in the literature in individuals affected with DSP-related conditions. ClinVar contains an entry for this variant (Variation ID: 579962). This variant disrupts a region of the DSP protein in which other variant(s) (p.Glu2728Glyfs*11) have been determined to be pathogenic (Invitae). This suggests that this is a clinically significant region of the protein, and that variants that disrupt it are likely to be disease-causing. For these reasons, this variant has been classified as Pathogenic.

NM_004415.4(DSP):c.7240G>T (p.Gly2414Ter)

Gene: DSP (desmoplakin; plus strand). Cytogenetic location: 6p24.3.
Variant type: single nucleotide variant.
Coding change: c.7240G>T on transcript NM_004415.4 (MANE Select); coding-DNA position 7240, G replaced by T.
Protein change: p.Gly2414Ter; replaces glycine 2414 with a stop codon.
Molecular consequence: nonsense.
Genome position (GRCh38, 1-based): chr6:7,584,502, G>T. VCF-style: chr6-7584502-G-T. GRCh37 (hg19) VCF-style: chr6-7584735-G-T.
Other names: c.7240G>T (LRG_423t1); c.5443G>T, p.Gly1815Ter (NM_001008844.3); c.5911G>T, p.Gly1971Ter (NM_001319034.2); short protein forms G2414*, G1971*, G1815*.
Identifiers: ClinVar variation 579962 (VCV000579962.12), dbSNP rs1194358112, ClinGen allele CA362692555.
Genomic context (GRCh38, chr6:7,584,502, plus strand): 5'-AGGGGCTATTTCAATGAGGAACTCAGTGAGATTCTCTCAGATCCAAGTGATGATACCAAA[G>T]GATTTTTTGACCCCAACACTGAAGAAAATCTTACCTATCTGCAACTAAAAGAAAGATGCA-3'